The following is an entry in ClinVar:

ClinVar aggregate classification (germline): Uncertain significance (1 of 4 stars; one submission).

Allele frequency attached by ClinVar (database versions not stated): gnomAD exomes below 0.00001.
gnomAD v4.1: 1 of 1,614,028 alleles (0.000062%); highest among the groups gnomAD compares: South Asian, 0.0011%; no homozygotes.

Submission:

Labcorp Genetics (formerly Invitae), Labcorp
Classification: Uncertain significance. Last evaluated: 2021-12-09. Review status: criteria provided, single submitter. Criteria: Invitae Variant Classification Sherloc (09022015). Collection method: clinical testing. Allele origin: germline.
Comment: In summary, the available evidence is currently insufficient to determine the role of this variant in disease. Therefore, it has been classified as a Variant of Uncertain Significance. Algorithms developed to predict the effect of missense changes on protein structure and function (SIFT, PolyPhen-2, Align-GVGD) all suggest that this variant is likely to be disruptive. This variant has not been reported in the literature in individuals affected with EDNRA-related conditions. This variant is not present in population databases (gnomAD no frequency). This sequence change replaces arginine, which is basic and polar, with glycine, which is neutral and non-polar, at codon 286 of the EDNRA protein (p.Arg286Gly).

NM_001957.4(EDNRA):c.856A>G (p.Arg286Gly)

Gene: EDNRA (endothelin receptor type A; plus strand). Cytogenetic location: 4q31.23.
Variant type: single nucleotide variant.
Coding change: c.856A>G on transcript NM_001957.4 (MANE Select); coding-DNA position 856, A replaced by G.
Protein change: p.Arg286Gly; replaces arginine 286 with glycine.
Molecular consequence: missense variant. On other transcripts: non-coding transcript variant (3).
Genome position (GRCh38, 1-based): chr4:147,535,985, A>G. VCF-style: chr4-147535985-A-G. GRCh37 (hg19) VCF-style: chr4-148457137-A-G.
Other names: c.529A>G, p.Arg177Gly (NM_001166055.2); short protein forms R177G, R286G.
Identifiers: ClinVar variation 2038529 (VCV002038529.4), dbSNP rs2530411036, ClinGen allele CA358422600.